The following is an entry in ClinVar:

ClinVar aggregate classification (germline): Uncertain significance (1 of 4 stars; one submission).

Allele frequency attached by ClinVar (database versions not stated): ExAC 0.00002; gnomAD 0.00003; TOPMed 0.00004.
gnomAD v4.1: 27 of 1,209,097 alleles (0.0022%); highest among the groups gnomAD compares: East Asian, 0.0059%; no homozygotes.

Submission:

Labcorp Genetics (formerly Invitae), Labcorp
Classification: Uncertain significance. Last evaluated: 2022-11-04. Review status: criteria provided, single submitter. Criteria: Invitae Variant Classification Sherloc (09022015). Collection method: clinical testing. Allele origin: germline.
Comment: This variant is present in population databases (rs765513485, gnomAD 0.007%). This sequence change replaces arginine, which is basic and polar, with glutamine, which is neutral and polar, at codon 750 of the TLR7 protein (p.Arg750Gln). This variant has not been reported in the literature in individuals affected with TLR7-related conditions. In summary, the available evidence is currently insufficient to determine the role of this variant in disease. Therefore, it has been classified as a Variant of Uncertain Significance. Algorithms developed to predict the effect of missense changes on protein structure and function (SIFT, PolyPhen-2, Align-GVGD) all suggest that this variant is likely to be tolerated.

NM_016562.4(TLR7):c.2249G>A (p.Arg750Gln)

Gene: TLR7 (toll like receptor 7; plus strand). Cytogenetic location: Xp22.2.
Variant type: single nucleotide variant.
Coding change: c.2249G>A on transcript NM_016562.4 (MANE Select); coding-DNA position 2249, G replaced by A.
Protein change: p.Arg750Gln; replaces arginine 750 with glutamine.
Molecular consequence: missense variant.
Genome position (GRCh38, 1-based): chrX:12,887,757, G>A. VCF-style: chrX-12887757-G-A. GRCh37 (hg19) VCF-style: chrX-12905876-G-A.
Other names: short protein forms R750Q.
Identifiers: ClinVar variation 2415304 (VCV002415304.6), dbSNP rs765513485, ClinGen allele CA10350069.